The following is an entry in ClinVar:

ClinVar aggregate classification (germline): Uncertain significance (1 of 4 stars; one submission).

Conditions:
Hereditary cancer-predisposing syndrome. Also called: Hereditary Cancer Syndrome; Hereditary neoplastic syndrome; Neoplastic Syndromes, Hereditary; Tumor predisposition. Identifiers: Orphanet 140162, MedGen C0027672, MeSH D009386, MONDO:0015356.

Submissions (2):

Ambry Genetics
Classification: Uncertain significance for Hereditary cancer-predisposing syndrome. Last evaluated: 2025-07-04. Review status: criteria provided, single submitter. Criteria: Ambry Variant Classification Scheme 2023. Collection method: clinical testing. Allele origin: germline.
Comment: The p.R676L variant (also known as c.2027G>T), located in coding exon 11 of the DICER1 gene, results from a G to T substitution at nucleotide position 2027. The arginine at codon 676 is replaced by leucine, an amino acid with dissimilar properties. This amino acid position is conserved. In addition, the in silico prediction for this alteration is inconclusive. Based on the available evidence, the clinical significance of this variant remains unclear.

Dr. Peter K. Rogan Lab, Western University
No classification provided (evidence only). Condition: Melanoma. Review status: no classification provided. Collection method: in vitro. Allele origin: not applicable. Functional consequence: retained intron. Not counted in ClinVar's aggregate classification.

NM_177438.3(DICER1):c.2027G>T (p.Arg676Leu)

Gene: DICER1 (dicer 1, ribonuclease III; minus strand). Cytogenetic location: 14q32.13.
Variant type: single nucleotide variant.
Coding change: c.2027G>T on transcript NM_177438.3 (MANE Select); coding-DNA position 2027, G replaced by T.
Protein change: p.Arg676Leu; replaces arginine 676 with leucine.
Molecular consequence: missense variant. On other transcripts: non-coding transcript variant (6).
Genome position (GRCh38, 1-based): chr14:95,113,105, C>A on the plus strand (G>T on the coding strand, the complement: DICER1 is on the minus strand). VCF-style: chr14-95113105-C-A. GRCh37 (hg19) VCF-style: chr14-95579442-C-A.
Other names: NC_000014.8:g.95579442C>A; c.2027G>T, p.Arg676Leu (NM_001195573.1, NM_001271282.3, NM_001291628.2 and 12 more transcripts); c.1745G>T, p.Arg582Leu (NM_001395686.1); c.344G>T, p.Arg115Leu (NM_001395697.1); c.1622G>T, p.Arg541Leu (NM_001395698.1, NM_001395687.1, NM_001395688.1 and 3 more transcripts); c.1460G>T, p.Arg487Leu (NM_001395691.1); short protein forms R487L, R541L, R582L, R676L, R115L.
Identifiers: ClinVar variation 4240492 (VCV004240492.2).
Genomic context (GRCh38, chr14:95,113,105, plus strand): 5'-AATGACACATTTTAAAAGATAACAATCATTTCTTCTTCTAAACTTACAACAATGGAGGCT[C>A]GAAGAGGTGAGTTAATTGGCAGATAAAGAGTTGAATAAAATGTACCATCAGGCAACTCTC-3'
Protein context (NP_803187.1, residues 666-686): TLYLPINSPL[Arg676Leu]ASIVGPPMSC